The following is an entry in ClinVar:

ClinVar aggregate classification (germline): Uncertain significance (1 of 4 stars; one submission).

Submission:

Labcorp Genetics (formerly Invitae), Labcorp
Classification: Uncertain significance. Last evaluated: 2024-04-24. Review status: criteria provided, single submitter. Criteria: Invitae Variant Classification Sherloc (09022015). Collection method: clinical testing. Allele origin: germline.
Comment: This sequence change replaces proline, which is neutral and non-polar, with leucine, which is neutral and non-polar, at codon 597 of the PACS2 protein (p.Pro597Leu). This variant is not present in population databases (gnomAD no frequency). This variant has not been reported in the literature in individuals affected with PACS2-related conditions. Advanced modeling of protein sequence and biophysical properties (such as structural, functional, and spatial information, amino acid conservation, physicochemical variation, residue mobility, and thermodynamic stability) performed at Invitae indicates that this missense variant is not expected to disrupt PACS2 protein function with a negative predictive value of 80%. In summary, the available evidence is currently insufficient to determine the role of this variant in disease. Therefore, it has been classified as a Variant of Uncertain Significance.

NM_001100913.3(PACS2):c.1790C>T (p.Pro597Leu)

Gene: PACS2 (phosphofurin acidic cluster sorting protein 2; plus strand). Cytogenetic location: 14q32.33.
Variant type: single nucleotide variant.
Coding change: c.1790C>T on transcript NM_001100913.3 (MANE Select); coding-DNA position 1790, C replaced by T.
Protein change: p.Pro597Leu; replaces proline 597 with leucine.
Molecular consequence: missense variant.
Genome position (GRCh38, 1-based): chr14:105,384,362, C>T. VCF-style: chr14-105384362-C-T. GRCh37 (hg19) VCF-style: chr14-105850699-C-T.
Other names: c.1553C>T, p.Pro518Leu (NM_001243127.3); c.1778C>T, p.Pro593Leu (NM_015197.4); short protein forms P597L, P518L, P593L.
Identifiers: ClinVar variation 3650699 (VCV003650699.2).